The following is an entry in ClinVar:

ClinVar aggregate classification (germline): Uncertain significance (1 of 4 stars; one submission).

Conditions:
Inborn genetic diseases. Identifiers: MedGen C0950123, MeSH D030342.

Submission:

Ambry Genetics
Classification: Uncertain significance for Inborn genetic diseases. Last evaluated: 2025-06-06. Review status: criteria provided, single submitter. Criteria: Ambry Variant Classification Scheme 2023. Collection method: clinical testing. Allele origin: germline.
Comment: The p.Q1243R variant (also known as c.3728A>G), located in coding exon 13 of the ASXL1 gene, results from an A to G substitution at nucleotide position 3728. The glutamine at codon 1243 is replaced by arginine, an amino acid with highly similar properties. This amino acid position is conserved. In addition, this alteration is predicted to be tolerated by in silico analysis. Based on the available evidence, the clinical significance of this variant remains unclear.

NM_015338.6(ASXL1):c.3728A>G (p.Gln1243Arg)

Gene: ASXL1 (ASXL transcriptional regulator 1; plus strand). Cytogenetic location: 20q11.21.
Variant type: single nucleotide variant.
Coding change: c.3728A>G on transcript NM_015338.6 (MANE Select); coding-DNA position 3728, A replaced by G.
Protein change: p.Gln1243Arg; replaces glutamine 1243 with arginine.
Molecular consequence: missense variant.
Genome position (GRCh38, 1-based): chr20:32,436,440, A>G. VCF-style: chr20-32436440-A-G. GRCh37 (hg19) VCF-style: chr20-31024243-A-G.
Other names: c.3545A>G, p.Gln1182Arg (NM_001363734.1); short protein forms Q1182R, Q1243R.
Identifiers: ClinVar variation 3957666 (VCV003957666.1).